The following is an entry in ClinVar:

NM_001267550.2(TTN):c.62865C>T (p.Val20955=)

Genes: TTN (titin; minus strand), TTN-AS1 (TTN antisense RNA 1; plus strand). Cytogenetic location: 2q31.2.
Variant type: single nucleotide variant.
Coding change: c.62865C>T on transcript NM_001267550.2 (MANE Select); coding-DNA position 62865, C replaced by T.
Protein change: p.Val20955=; no amino-acid change (valine 20955 retained).
Molecular consequence: synonymous variant.
Genome position (GRCh38, 1-based): chr2:178,588,860, G>A on the plus strand (C>T on the coding strand, the complement: TTN is on the minus strand). VCF-style: chr2-178588860-G-A. GRCh37 (hg19) VCF-style: chr2-179453587-G-A.
Other names: c.57942C>T, p.Val19314= (NM_001256850.1); c.35670C>T, p.Val11890= (NM_003319.4); c.55161C>T, p.Val18387= (NM_133378.4); c.36045C>T, p.Val12015= (NM_133432.3); c.36246C>T, p.Val12082= (NM_133437.4).
Identifiers: ClinVar variation 4084536 (VCV004084536.9).

ClinVar aggregate classification (germline): Likely benign. Review status: criteria provided, multiple submitters, no conflicts (2 of 4 stars). 2 submissions from 2 submitters: Likely benign (2). Last evaluated 2025-11-05.

Conditions:
TTN-related disorder. Also called: TTN-related condition; TTN-related disease; TTN-related disorders.

gnomAD v4.1: 2 of 1,613,326 alleles (0.00012%); highest among the groups gnomAD compares: Admixed American, 0.0033%; no homozygotes.

Submissions (2):

PreventionGenetics, part of Exact Sciences
Classification: Likely benign for TTN-related condition. Last evaluated: 2025-11-05. Review status: criteria provided, single submitter. Criteria: ACMG Guidelines, 2015. Collection method: clinical testing. Allele origin: germline.
Comment: This variant is classified as likely benign based on ACMG/AMP sequence variant interpretation guidelines (Richards et al. 2015 PMID: 25741868, with internal and published modifications).

CeGaT Center for Human Genetics Tuebingen
Classification: Likely benign. Last evaluated: 2025-06-01. Review status: criteria provided, single submitter. Criteria: CeGaT Center For Human Genetics Tuebingen Variant Classification Criteria Version 2. Collection method: clinical testing. Allele origin: germline. Affected: yes. Observed: 1 variant allele.
Comment: TTN: BP4, BP7